The following is an entry in ClinVar:

NM_002878.4(RAD51D):c.668-19G>C

Genes: RAD51D (RAD51 paralog D; minus strand), RAD51L3-RFFL (RAD51L3-RFFL readthrough; minus strand). Cytogenetic location: 17q12.
Variant type: single nucleotide variant.
Coding change: c.668-19G>C on transcript NM_002878.4 (MANE Select); 19 bases into the intron before coding-DNA position 668, G replaced by C.
Molecular consequence: intron variant.
Genome position (GRCh38, 1-based): chr17:35,103,343, C>G on the plus strand (G>C on the coding strand, the complement: RAD51D is on the minus strand). VCF-style: chr17-35103343-C-G. GRCh37 (hg19) VCF-style: chr17-33430362-C-G.
Other names: c.332-19G>C (NM_133629.3); c.728-19G>C (NM_001142571.2).
Identifiers: ClinVar variation 2415151 (VCV002415151.6), dbSNP rs2091561999, ClinGen allele CA2257360254.

ClinVar aggregate classification (germline): Likely benign. Review status: criteria provided, multiple submitters, no conflicts (2 of 4 stars). 2 submissions from 2 submitters: Likely benign (2). Last evaluated 2025-02-24.

Conditions:
Breast-ovarian cancer, familial, susceptibility to, 4. Identifiers: Orphanet 145, MedGen C3280345, MONDO:0013669, OMIM 614291.

Allele frequency attached by ClinVar (database versions not stated): TOPMed below 0.00001.

Submissions (2):

Myriad Genetics, Inc.
Classification: Likely benign for Breast-ovarian cancer, familial, susceptibility to, 4. Last evaluated: 2025-02-24. Review status: criteria provided, single submitter. Criteria: Myriad Autosomal Dominant, Autosomal Recessive and X-Linked Classification Criteria (2023). Collection method: clinical testing. Allele origin: unknown.
Comment: This variant is considered likely benign. This variant is intronic and is not expected to impact mRNA splicing.

Labcorp Genetics (formerly Invitae), Labcorp
Classification: Likely benign for Breast-ovarian cancer, familial, susceptibility to, 4. Last evaluated: 2024-07-01. Review status: criteria provided, single submitter. Criteria: Invitae Variant Classification Sherloc (09022015). Collection method: clinical testing. Allele origin: germline.